The following is an entry in ClinVar:

NM_004994.3(MMP9):c.1963C>G (p.Pro655Ala)

Genes: MMP9 (matrix metallopeptidase 9; plus strand), SLC12A5-AS1 (SLC12A5 and MMP9 antisense RNA 1; minus strand), LOC130065978 (ATAC-STARR-seq lymphoblastoid silent region 12969; plus strand). Cytogenetic location: 20q13.12.
Variant type: single nucleotide variant.
Coding change: c.1963C>G on transcript NM_004994.3 (MANE Select); coding-DNA position 1963, C replaced by G.
Protein change: p.Pro655Ala; replaces proline 655 with alanine.
Molecular consequence: missense variant. On other transcripts: non-coding transcript variant (1).
Genome position (GRCh38, 1-based): chr20:46,014,432, C>G. VCF-style: chr20-46014432-C-G. GRCh37 (hg19) VCF-style: chr20-44643071-C-G.
Other names: short protein forms P655A.
Identifiers: ClinVar variation 2104724 (VCV002104724.4), dbSNP rs1358717510, ClinGen allele CA409225762.
Genomic context (GRCh38, chr20:46,014,432, plus strand): 5'-TTCGACGTGAAGGCGCAGATGGTGGATCCCCGGAGCGCCAGCGAGGTGGACCGGATGTTC[C>G]CCGGGGTGCCTTTGGACACGCACGACGTCTTCCAGTACCGAGGTGAGGGCTGAGGAGGAT-3'
Protein context (NP_004985.2, residues 645-665): RSASEVDRMF[Pro655Ala]GVPLDTHDVF

ClinVar aggregate classification (germline): Uncertain significance (1 of 4 stars; one submission).

Submission:

Labcorp Genetics (formerly Invitae), Labcorp
Classification: Uncertain significance. Last evaluated: 2022-02-28. Review status: criteria provided, single submitter. Criteria: Invitae Variant Classification Sherloc (09022015). Collection method: clinical testing. Allele origin: germline.
Comment: This variant is not present in population databases (gnomAD no frequency). This sequence change replaces proline, which is neutral and non-polar, with alanine, which is neutral and non-polar, at codon 655 of the MMP9 protein (p.Pro655Ala). In summary, the available evidence is currently insufficient to determine the role of this variant in disease. Therefore, it has been classified as a Variant of Uncertain Significance. Algorithms developed to predict the effect of missense changes on protein structure and function (SIFT, PolyPhen-2, Align-GVGD) all suggest that this variant is likely to be tolerated. This variant has not been reported in the literature in individuals affected with MMP9-related conditions.